The following is an entry in ClinVar:

ClinVar aggregate classification (germline): Uncertain significance (1 of 4 stars; one submission).

Conditions:
Hereditary cancer-predisposing syndrome. Also called: Tumor predisposition; Neoplastic Syndromes, Hereditary; Hereditary neoplastic syndrome; Hereditary Cancer Syndrome. Identifiers: Orphanet 140162, MedGen C0027672, MeSH D009386, MONDO:0015356.

Submission:

Ambry Genetics
Classification: Uncertain significance for Hereditary cancer-predisposing syndrome. Last evaluated: 2025-08-27. Review status: criteria provided, single submitter. Criteria: Ambry Variant Classification Scheme 2023. Collection method: clinical testing. Allele origin: germline.
Comment: The p.G525R variant (also known as c.1573G>C), located in coding exon 16 of the MUTYH gene, results from a G to C substitution at nucleotide position 1573. The glycine at codon 525 is replaced by arginine, an amino acid with dissimilar properties. This amino acid position is conserved. In addition, this alteration is predicted to be tolerated by in silico analysis. Based on the available evidence, the clinical significance of this variant remains unclear.

NM_001048174.2(MUTYH):c.1489G>C (p.Gly497Arg)

Gene: MUTYH (mutY DNA glycosylase; minus strand). Cytogenetic location: 1p34.1.
Variant type: single nucleotide variant.
Coding change: c.1489G>C on transcript NM_001048174.2 (MANE Select); coding-DNA position 1489, G replaced by C.
Protein change: p.Gly497Arg; replaces glycine 497 with arginine.
Molecular consequence: missense variant. On other transcripts: non-coding transcript variant (7).
Genome position (GRCh38, 1-based): chr1:45,329,383, C>G on the plus strand (G>C on the coding strand, the complement: MUTYH is on the minus strand). VCF-style: chr1-45329383-C-G. GRCh37 (hg19) VCF-style: chr1-45795055-C-G.
Other names: c.1489G>C, p.Gly497Arg (NM_001048171.2, NM_001048173.2, NM_001293195.2 and 6 more transcripts); c.1492G>C, p.Gly498Arg (NM_001048172.2, NM_001407071.1, NM_001407086.1 and 1 more transcripts); c.1573G>C, p.Gly525Arg (NM_001128425.2); c.1534G>C, p.Gly512Arg (NM_001293190.2); c.1522G>C, p.Gly508Arg (NM_001293191.2, NM_001407069.1, NM_001407077.1); c.1213G>C, p.Gly405Arg (NM_001293192.2, NM_001293196.2, NM_001407091.1); c.1144G>C, p.Gly382Arg (NM_001350650.2, NM_001350651.2, NM_001407082.1); c.1531G>C, p.Gly511Arg (NM_001407085.1, NM_001407083.1); and 5 more; short protein forms G382R, G469R, G484R, G504R, G511R, G522R, G508R, G525R.
Identifiers: ClinVar variation 4113380 (VCV004113380.1).